The following is an entry in ClinVar:

NM_004187.5(KDM5C):c.626A>G (p.Tyr209Cys)

Gene: KDM5C (lysine demethylase 5C; minus strand). Cytogenetic location: Xp11.22.
Variant type: single nucleotide variant.
Coding change: c.626A>G on transcript NM_004187.5 (MANE Select); coding-DNA position 626, A replaced by G.
Protein change: p.Tyr209Cys; replaces tyrosine 209 with cysteine.
Molecular consequence: missense variant. On other transcripts: non-coding transcript variant (3).
Genome position (GRCh38, 1-based): chrX:53,217,174, T>C on the plus strand (A>G on the coding strand, the complement: KDM5C is on the minus strand). VCF-style: chrX-53217174-T-C. GRCh37 (hg19) VCF-style: chrX-53246356-T-C.
Other names: c.626A>G, p.Tyr209Cys (NM_001353984.2, NM_001353978.3, NM_001353981.2); c.425A>G, p.Tyr142Cys (NM_001146702.2); c.623A>G, p.Tyr208Cys (NM_001282622.3, NM_001353979.2, NM_001353982.2); c.626A>G (NM_004187.2); short protein forms Y208C, Y142C, Y209C.
Identifiers: ClinVar variation 2698233 (VCV002698233.5), dbSNP rs2146946030, ClinGen allele CA413133715.

ClinVar aggregate classification (germline): Uncertain significance. Review status: criteria provided, multiple submitters, no conflicts (2 of 4 stars). 2 submissions from 2 submitters: Uncertain significance (2). Last evaluated 2025-04-03.

Conditions:
Spastic paraplegia. Identifiers: MedGen C0037772, HP:0001258.

Allele frequency attached by ClinVar (database versions not stated): gnomAD exomes below 0.00001.
gnomAD v4.1: 2 of 1,210,458 alleles (0.00017%); highest among the groups gnomAD compares: Non-Finnish European, 0.00022%; no homozygotes.

Submissions (2):

GeneDx
Classification: Uncertain significance. Last evaluated: 2025-04-03. Review status: criteria provided, single submitter. Criteria: GeneDx Variant Classification Process June 2021. Collection method: clinical testing. Allele origin: germline.
Comment: Not observed at significant frequency in large population cohorts (gnomAD); In silico analysis supports that this missense variant has a deleterious effect on protein structure/function; Has not been previously published as pathogenic or benign to our knowledge

Labcorp Genetics (formerly Invitae), Labcorp
Classification: Uncertain significance for Spastic paraplegia. Last evaluated: 2023-11-24. Review status: criteria provided, single submitter. Criteria: Invitae Variant Classification Sherloc (09022015). Collection method: clinical testing. Allele origin: germline.
Comment: This sequence change replaces tyrosine, which is neutral and polar, with cysteine, which is neutral and slightly polar, at codon 209 of the KDM5C protein (p.Tyr209Cys). This variant is not present in population databases (gnomAD no frequency). This variant has not been reported in the literature in individuals affected with KDM5C-related conditions. Advanced modeling of protein sequence and biophysical properties (such as structural, functional, and spatial information, amino acid conservation, physicochemical variation, residue mobility, and thermodynamic stability) has been performed at Invitae for this missense variant, however the output from this modeling did not meet the statistical confidence thresholds required to predict the impact of this variant on KDM5C protein function. In summary, the available evidence is currently insufficient to determine the role of this variant in disease. Therefore, it has been classified as a Variant of Uncertain Significance.